The following is an entry in ClinVar:

NM_002615.7(SERPINF1):c.632C>T (p.Ala211Val)

Gene: SERPINF1 (serpin family F member 1; plus strand). Cytogenetic location: 17p13.3.
Variant type: single nucleotide variant.
Coding change: c.632C>T on transcript NM_002615.7 (MANE Select); coding-DNA position 632, C replaced by T.
Protein change: p.Ala211Val; replaces alanine 211 with valine.
Molecular consequence: missense variant.
Genome position (GRCh38, 1-based): chr17:1,772,064, C>T. VCF-style: chr17-1772064-C-T. GRCh37 (hg19) VCF-style: chr17-1675358-C-T.
Other names: c.632C>T, p.Ala211Val (NM_001329903.2); c.71C>T, p.Ala24Val (NM_001329904.2, NM_001329905.2); c.632C>T (NM_002615.5); short protein forms A211V, A24V.
Identifiers: ClinVar variation 1498428 (VCV001498428.7), dbSNP rs747528885, ClinGen allele CA8274755.

ClinVar aggregate classification (germline): Uncertain significance. Review status: criteria provided, multiple submitters, no conflicts (2 of 4 stars). 2 submissions from 2 submitters: Uncertain significance (2). Last evaluated 2023-08-10.

Conditions:
Inborn genetic diseases. Identifiers: MedGen C0950123, MeSH D030342.

Allele frequency attached by ClinVar (database versions not stated): TOPMed below 0.00001; gnomAD exomes 0.00001 and 0.00002; ExAC 0.00002.
gnomAD v4.1: 22 of 1,612,062 alleles (0.0014%); highest among the groups gnomAD compares: South Asian, 0.0033%; no homozygotes.

Submissions (2):

Labcorp Genetics (formerly Invitae), Labcorp
Classification: Uncertain significance. Last evaluated: 2023-08-10. Review status: criteria provided, single submitter. Criteria: Invitae Variant Classification Sherloc (09022015). Collection method: clinical testing. Allele origin: germline.
Comment: This sequence change replaces alanine with valine at codon 211 of the SERPINF1 protein (p.Ala211Val). The alanine residue is highly conserved and there is a small physicochemical difference between alanine and valine. This variant is present in population databases (rs747528885, gnomAD 0.003%). This variant has not been reported in the literature in individuals affected with SERPINF1-related conditions. ClinVar contains an entry for this variant (Variation ID: 1498428). Advanced modeling of protein sequence and biophysical properties (such as structural, functional, and spatial information, amino acid conservation, physicochemical variation, residue mobility, and thermodynamic stability) performed at Invitae indicates that this missense variant is not expected to disrupt SERPINF1 protein function. In summary, the available evidence is currently insufficient to determine the role of this variant in disease. Therefore, it has been classified as a Variant of Uncertain Significance.

Ambry Genetics
Classification: Uncertain significance for Inborn genetic diseases. Last evaluated: 2023-03-24. Review status: criteria provided, single submitter. Criteria: Ambry Variant Classification Scheme 2023. Collection method: clinical testing. Allele origin: germline.